The following is an entry in ClinVar:

ClinVar aggregate classification (germline): Likely benign. Review status: criteria provided, multiple submitters, no conflicts (2 of 4 stars). 5 submissions from 5 submitters: Likely benign (4). 1 of the submissions does not count toward it. Last evaluated 2024-10-15.

Conditions:
Cardiovascular phenotype. Identifiers: MedGen CN230736.
Dilated cardiomyopathy 1W (CMD1W). Identifiers: Orphanet 154, MedGen C1969639, MONDO:0012667, OMIM 611407.
VCL-related disorder. Also called: VCL-related condition.

Allele frequency attached by ClinVar (database versions not stated): gnomAD 0.00002 and 0.00004; TOPMed 0.00003; ExAC 0.00004; gnomAD exomes 0.00004 and 0.00007; 1000 Genomes Project 30x 0.00016; 1000 Genomes Project 0.00020.
gnomAD v4.1: 108 of 1,614,056 alleles (0.0067%); highest among the groups gnomAD compares: Non-Finnish European, 0.0091%; no homozygotes.

Submissions (5):

Labcorp Genetics (formerly Invitae), Labcorp
Classification: Likely benign for Dilated cardiomyopathy 1W. Last evaluated: 2024-10-15. Review status: criteria provided, single submitter. Criteria: Invitae Variant Classification Sherloc (09022015). Collection method: clinical testing. Allele origin: germline.

Blueprint Genetics
Classification: Likely benign. Last evaluated: 2024-06-24. Review status: criteria provided, single submitter. Criteria: ACMG Guidelines, 2015. Collection method: clinical testing. Allele origin: germline.

Ambry Genetics
Classification: Likely benign for Cardiovascular phenotype. Last evaluated: 2019-12-12. Review status: criteria provided, single submitter. Criteria: Ambry Variant Classification Scheme 2023. Collection method: clinical testing. Allele origin: germline.

GeneDx
Classification: Likely benign. Last evaluated: 2017-05-17. Review status: criteria provided, single submitter. Criteria: GeneDx Variant Classification (06012015). Collection method: clinical testing. Allele origin: germline. Affected: yes.
Comment: This variant is considered likely benign or benign based on one or more of the following criteria: it is a conservative change, it occurs at a poorly conserved position in the protein, it is predicted to be benign by multiple in silico algorithms, and/or has population frequency not consistent with disease.

PreventionGenetics, part of Exact Sciences
Classification: Likely benign for VCL-related condition. Last evaluated: 2020-04-13. Review status: no assertion criteria provided. Collection method: clinical testing. Allele origin: germline. Not counted in ClinVar's aggregate classification.
Comment: This variant is classified as likely benign based on ACMG/AMP sequence variant interpretation guidelines (Richards et al. 2015 PMID: 25741868, with internal and published modifications).

NM_014000.3(VCL):c.1170T>C (p.Ala390=)

Gene: VCL (vinculin; plus strand). Cytogenetic location: 10q22.2.
Variant type: single nucleotide variant.
Coding change: c.1170T>C on transcript NM_014000.3 (MANE Select); coding-DNA position 1170, T replaced by C.
Protein change: p.Ala390=; no amino-acid change (alanine 390 retained).
Molecular consequence: synonymous variant.
Genome position (GRCh38, 1-based): chr10:74,089,343, T>C. VCF-style: chr10-74089343-T-C. GRCh37 (hg19) VCF-style: chr10-75849101-T-C.
Other names: c.1170T>C, p.Ala390= (NM_003373.4).
Identifiers: ClinVar variation 509656 (VCV000509656.16), dbSNP rs201459260, ClinGen allele CA5562932.